The following is an entry in ClinVar:

NM_000169.3(GLA):c.712A>T (p.Ser238Cys)

Genes: GLA (galactosidase alpha; minus strand), RPL36A-HNRNPH2 (RPL36A-HNRNPH2 readthrough; plus strand). Cytogenetic location: Xq22.1.
Variant type: single nucleotide variant.
Coding change: c.712A>T on transcript NM_000169.3 (MANE Select); coding-DNA position 712, A replaced by T.
Protein change: p.Ser238Cys; replaces serine 238 with cysteine.
Molecular consequence: missense variant. On other transcripts: non-coding transcript variant (3), intron variant (2).
Genome position (GRCh38, 1-based): chrX:101,398,874, T>A on the plus strand (A>T on the coding strand, the complement: GLA is on the minus strand). VCF-style: chrX-101398874-T-A. GRCh37 (hg19) VCF-style: chrX-100653862-T-A.
Other names: c.835A>T, p.Ser279Cys (NM_001406747.1); c.712A>T, p.Ser238Cys (NM_001406748.1); c.300+3417T>A (NM_001199973.2); c.177+7052T>A (NM_001199974.2); short protein forms S279C, S238C.
Identifiers: ClinVar variation 3854126 (VCV003854126.1).

ClinVar aggregate classification (germline): Likely pathogenic (1 of 4 stars; one submission).

Conditions:
Cardiovascular phenotype. Identifiers: MedGen CN230736.

Submission:

Ambry Genetics
Classification: Likely pathogenic for Cardiovascular phenotype. Last evaluated: 2025-01-21. Review status: criteria provided, single submitter. Criteria: Ambry Variant Classification Scheme 2023. Collection method: clinical testing. Allele origin: germline.
Comment: The p.S238C variant (also known as c.712A>T), located in coding exon 5 of the GLA gene, results from an A to T substitution at nucleotide position 712. The serine at codon 238 is replaced by cysteine, an amino acid with dissimilar properties. Other variant(s) at the same codon, p.S238N (c.713G>A), have been identified in individual(s) with features consistent with Fabry disease (Jain R et al. JACC Cardiovasc Imaging, 2018 Apr;11:644-647). This amino acid position is highly conserved in available vertebrate species. In addition, this alteration is predicted to be deleterious by in silico analysis. This variant is considered to be rare based on population cohorts in the Genome Aggregation Database (gnomAD). Based on the majority of available evidence to date, this variant is likely to be pathogenic.